The following is an entry in ClinVar:

ClinVar aggregate classification (germline): Pathogenic/Likely pathogenic. Review status: criteria provided, multiple submitters, no conflicts (2 of 4 stars). 2 submissions from 2 submitters: Pathogenic (1); Likely pathogenic (1). Last evaluated 2024-06-18.

Conditions:
Mucopolysaccharidosis, MPS-III-A (MPS3A). Also called: HEPARAN SULFATE SULFATASE DEFICIENCY; SANFILIPPO SYNDROME A; SULFAMIDASE DEFICIENCY; MPS III A; Mucopolysaccharidosis type IIIA (Sanfilippo A); MUCOPOLYSACCHARIDOSIS, TYPE IIIA, ATTENUATED. Identifiers: Orphanet 581, Orphanet 79269, MedGen C0086647, MONDO:0009655, OMIM 252900.

Allele frequency attached by ClinVar (database versions not stated): TOPMed below 0.00001.

Submissions (2):

Natera, Inc.
Classification: Likely pathogenic for Mucopolysaccharidosis type IIIA. Last evaluated: 2024-06-18. Review status: criteria provided, single submitter. Criteria: Natera Variant Classification Schema (03/2026). Collection method: clinical testing. Allele origin: germline.
Comment: The c.277C>T variant in SGSH is a nonsense variant predicted to introduce a stop codon at amino acid 93. This variant is expected to result in nonsense mediated decay, truncation, or a dysfunctional protein product. This variant is rare in the general population with a frequency below the threshold expected for the associated phenotype(s). Given the available evidence, this variant is classified as Likely Pathogenic.

Labcorp Genetics (formerly Invitae), Labcorp
Classification: Pathogenic for Mucopolysaccharidosis, MPS-III-A. Last evaluated: 2023-05-20. Review status: criteria provided, single submitter. Criteria: Invitae Variant Classification Sherloc (09022015). Collection method: clinical testing. Allele origin: germline.
Comment: For these reasons, this variant has been classified as Pathogenic. This variant has not been reported in the literature in individuals affected with SGSH-related conditions. This variant is not present in population databases (gnomAD no frequency). This sequence change creates a premature translational stop signal (p.Gln93*) in the SGSH gene. It is expected to result in an absent or disrupted protein product. Loss-of-function variants in SGSH are known to be pathogenic (PMID: 11182930, 21204211, 22976768).

Literature cited by the submitters: PubMed 11182930 (cited by Labcorp Genetics (formerly Invitae), Labcorp); PubMed 21204211 (cited by Labcorp Genetics (formerly Invitae), Labcorp); PubMed 22976768 (cited by Labcorp Genetics (formerly Invitae), Labcorp).

NM_000199.5(SGSH):c.277C>T (p.Gln93Ter)

Gene: SGSH (N-sulfoglucosamine sulfohydrolase; minus strand). Cytogenetic location: 17q25.3.
Variant type: single nucleotide variant.
Coding change: c.277C>T on transcript NM_000199.5 (MANE Select); coding-DNA position 277, C replaced by T.
Protein change: p.Gln93Ter; replaces glutamine 93 with a stop codon.
Molecular consequence: nonsense.
Genome position (GRCh38, 1-based): chr17:80,215,111, G>A on the plus strand (C>T on the coding strand, the complement: SGSH is on the minus strand). VCF-style: chr17-80215111-G-A. GRCh37 (hg19) VCF-style: chr17-78188910-G-A.
Other names: c.277C>T (NM_000199.4); c.277C>T, p.Gln93Ter (NM_001352921.3, NM_001352922.2); short protein forms Q93*.
Identifiers: ClinVar variation 3009303 (VCV003009303.4), dbSNP rs1293427858, ClinGen allele CA401363884.